The following is an entry in ClinVar:

ClinVar aggregate classification (germline): Uncertain significance. Review status: criteria provided, multiple submitters, no conflicts (2 of 4 stars). 3 submissions from 3 submitters: Uncertain significance (3). Last evaluated 2024-05-14.

Conditions:
Accelerated tumor formation, susceptibility to (ACTFS). Identifiers: MedGen C3280690, OMIM 614401, MONDO:0013733.
Lessel-kubisch syndrome. Identifiers: MedGen C5231460, MONDO:0032868, OMIM 618681.

Allele frequency attached by ClinVar (database versions not stated): gnomAD 0.00002 and 0.00003; TOPMed 0.00002; gnomAD exomes 0.00005; ExAC 0.00008.
gnomAD v4.1: 58 of 1,613,738 alleles (0.0036%); highest among the groups gnomAD compares: South Asian, 0.011%; no homozygotes.

Submissions (3):

Fulgent Genetics
Classification: Uncertain significance for Accelerated tumor formation, susceptibility to; Lessel-kubisch syndrome. Last evaluated: 2024-05-14. Review status: criteria provided, single submitter. Criteria: ACMG Guidelines, 2015. Collection method: clinical testing. Allele origin: germline.

Genomic Medicine Center of Excellence, King Faisal Specialist Hospital and Research Centre
Classification: Uncertain significance for Accelerated tumor formation, susceptibility to. Last evaluated: 2024-03-29. Review status: criteria provided, single submitter. Criteria: ACMG Guidelines, 2015. Collection method: clinical testing. Allele origin: germline.

Labcorp Genetics (formerly Invitae), Labcorp
Classification: Uncertain significance for Accelerated tumor formation, susceptibility to. Last evaluated: 2022-12-22. Review status: criteria provided, single submitter. Criteria: Invitae Variant Classification Sherloc (09022015). Collection method: clinical testing. Allele origin: germline.
Comment: In summary, the available evidence is currently insufficient to determine the role of this variant in disease. Therefore, it has been classified as a Variant of Uncertain Significance. Algorithms developed to predict the effect of missense changes on protein structure and function are either unavailable or do not agree on the potential impact of this missense change (SIFT: "Deleterious"; PolyPhen-2: "Probably Damaging"; Align-GVGD: "Class C0"). ClinVar contains an entry for this variant (Variation ID: 855111). This variant has not been reported in the literature in individuals affected with MDM2-related conditions. This variant is present in population databases (rs763077439, gnomAD 0.008%). This sequence change replaces arginine, which is basic and polar, with histidine, which is basic and polar, at codon 332 of the MDM2 protein (p.Arg332His).

NM_002392.6(MDM2):c.995G>A (p.Arg332His)

Gene: MDM2 (MDM2 proto-oncogene; plus strand). Cytogenetic location: 12q15.
Variant type: single nucleotide variant.
Coding change: c.995G>A on transcript NM_002392.6 (MANE Select); coding-DNA position 995, G replaced by A.
Protein change: p.Arg332His; replaces arginine 332 with histidine.
Molecular consequence: missense variant.
Genome position (GRCh38, 1-based): chr12:68,839,350, G>A. VCF-style: chr12-68839350-G-A. GRCh37 (hg19) VCF-style: chr12-69233130-G-A.
Other names: c.836G>A, p.Arg279His (NM_001145337.3); c.830G>A, p.Arg277His (NM_001145339.2); c.389G>A, p.Arg130His (NM_001145340.3); c.467G>A, p.Arg156His (NM_001278462.2); c.977G>A, p.Arg326His (NM_001367990.1); short protein forms R130H, R277H, R326H, R332H, R156H, R279H.
Identifiers: ClinVar variation 855111 (VCV000855111.11), dbSNP rs763077439, ClinGen allele CA6678848.
Genomic context (GRCh38, chr12:68,839,350, plus strand): 5'-CTTCATGCAATGAAATGAATCCCCCCCTTCCATCACATTGCAACAGATGTTGGGCCCTTC[G>A]TGAGAATTGGCTTCCTGAAGATAAAGGGAAAGATAAAGGGGAAATCTCTGAGAAAGCCAA-3'
Protein context (NP_002383.2, residues 322-342): PSHCNRCWAL[Arg332His]ENWLPEDKGK